The following is an entry in ClinVar:

NM_198529.4(EFCAB5):c.2949C>T (p.His983=)

Gene: EFCAB5 (EF-hand calcium binding domain 5; plus strand). Cytogenetic location: 17q11.2.
Variant type: single nucleotide variant.
Coding change: c.2949C>T on transcript NM_198529.4 (MANE Select); coding-DNA position 2949, C replaced by T.
Protein change: p.His983=; no amino-acid change (histidine 983 retained).
Molecular consequence: synonymous variant.
Genome position (GRCh38, 1-based): chr17:30,078,426, C>T. VCF-style: chr17-30078426-C-T. GRCh37 (hg19) VCF-style: chr17-28405444-C-T.
Identifiers: ClinVar variation 3905944 (VCV003905944.10).

ClinVar aggregate classification (germline): Likely benign (1 of 4 stars; one submission).

Submission:

CeGaT Center for Human Genetics Tuebingen
Classification: Likely benign. Last evaluated: 2025-05-01. Review status: criteria provided, single submitter. Criteria: CeGaT Center For Human Genetics Tuebingen Variant Classification Criteria Version 2. Collection method: clinical testing. Allele origin: germline. Affected: yes. Observed: 1 variant allele.
Comment: EFCAB5: PM2:Supporting, BP4, BP7